The following is an entry in ClinVar:

ClinVar aggregate classification (germline): Uncertain significance (1 of 4 stars; one submission).

Conditions:
Paroxysmal nonkinesigenic dyskinesia. Also called: Paroxysmal non-kinesigenic dyskinesia. Identifiers: Orphanet 98810, MedGen C1869117, MONDO:0700088.

Submission:

Labcorp Genetics (formerly Invitae), Labcorp
Classification: Uncertain significance for Paroxysmal nonkinesigenic dyskinesia. Last evaluated: 2025-10-28. Review status: criteria provided, single submitter. Criteria: Invitae Variant Classification Sherloc (09022015). Collection method: clinical testing. Allele origin: germline.
Comment: This sequence change replaces valine, which is neutral and non-polar, with alanine, which is neutral and non-polar, at codon 214 of the PNKD protein (p.Val214Ala). This variant is not present in population databases (gnomAD no frequency). This variant has not been reported in the literature in individuals affected with PNKD-related conditions. Invitae Evidence Modeling of protein sequence and biophysical properties (such as structural, functional, and spatial information, amino acid conservation, physicochemical variation, residue mobility, and thermodynamic stability) indicates that this missense variant is not expected to disrupt PNKD protein function with a negative predictive value of 80%. In summary, the available evidence is currently insufficient to determine the role of this variant in disease. Therefore, it has been classified as a Variant of Uncertain Significance.

NM_015488.5(PNKD):c.641T>C (p.Val214Ala)

Genes: CATIP-AS2 (CATIP antisense RNA 2; minus strand), PNKD (PNKD metallo-beta-lactamase domain containing; plus strand). Cytogenetic location: 2q35.
Variant type: single nucleotide variant.
Coding change: c.641T>C on transcript NM_015488.5 (MANE Select); coding-DNA position 641, T replaced by C.
Protein change: p.Val214Ala; replaces valine 214 with alanine.
Molecular consequence: missense variant.
Genome position (GRCh38, 1-based): chr2:218,342,004, T>C. VCF-style: chr2-218342004-T-C. GRCh37 (hg19) VCF-style: chr2-219206727-T-C.
Other names: c.569T>C, p.Val190Ala (NM_022572.5); short protein forms V214A, V190A.
Identifiers: ClinVar variation 4709333 (VCV004709333.1).